The following is an entry in ClinVar:

ClinVar aggregate classification (germline): Benign/Likely benign. Review status: criteria provided, multiple submitters, no conflicts (2 of 4 stars). 5 submissions from 5 submitters: Benign (3); Likely benign (1). 1 of the submissions does not count toward it. Last evaluated 2026-03-01.

Conditions:
LRRC56-related disorder. Also called: LRRC56-related condition.
Ciliary dyskinesia, primary, 39. Also called: CILIARY DYSKINESIA, PRIMARY, 39, WITH OR WITHOUT SITUS INVERSUS. Identifiers: MedGen C4748841, MONDO:0032637, OMIM 618254.

Allele frequency attached by ClinVar (database versions not stated): ExAC 0.00632; gnomAD exomes 0.00685 and 0.00786; 1000 Genomes Project 0.00759; ESP Exome Variant Server 0.00795; gnomAD 0.00857 and 0.00885; 1000 Genomes Project 30x 0.00890; TOPMed 0.00955.
gnomAD v4.1: 12,196 of 1,540,756 alleles (0.79%); highest among the groups gnomAD compares: Admixed American, 1.2%; 63 homozygotes.

Submissions (5):

CeGaT Center for Human Genetics Tuebingen
Classification: Benign. Last evaluated: 2026-03-01. Review status: criteria provided, single submitter. Criteria: CeGaT Center For Human Genetics Tuebingen Variant Classification Criteria Version 2. Collection method: clinical testing. Allele origin: germline. Affected: yes. Observed: 7 variant alleles.
Comment: LRRC56: BS1, BS2

Labcorp Genetics (formerly Invitae), Labcorp
Classification: Benign. Last evaluated: 2026-02-01. Review status: criteria provided, single submitter. Criteria: Invitae Variant Classification Sherloc (09022015). Collection method: clinical testing. Allele origin: germline.

Fulgent Genetics
Classification: Likely benign for Ciliary dyskinesia, primary, 39. Last evaluated: 2022-01-04. Review status: criteria provided, single submitter. Criteria: ACMG Guidelines, 2015. Collection method: clinical testing. Allele origin: unknown.

Breakthrough Genomics
Classification: Benign. Review status: criteria provided, single submitter. Criteria: ACMG Guidelines, 2015. Collection method: not provided. Allele origin: germline. Inheritance: Autosomal recessive inheritance. Affected: yes.

PreventionGenetics, part of Exact Sciences
Classification: Likely benign for LRRC56-related condition. Last evaluated: 2019-03-06. Review status: no assertion criteria provided. Collection method: clinical testing. Allele origin: germline. Not counted in ClinVar's aggregate classification.
Comment: This variant is classified as likely benign based on ACMG/AMP sequence variant interpretation guidelines (Richards et al. 2015 PMID: 25741868, with internal and published modifications).

NM_198075.4(LRRC56):c.655G>A (p.Val219Met)

Gene: LRRC56 (leucine rich repeat containing 56; plus strand). Cytogenetic location: 11p15.5.
Variant type: single nucleotide variant.
Coding change: c.655G>A on transcript NM_198075.4 (MANE Select); coding-DNA position 655, G replaced by A.
Protein change: p.Val219Met; replaces valine 219 with methionine.
Molecular consequence: missense variant.
Genome position (GRCh38, 1-based): chr11:551,161, G>A. VCF-style: chr11-551161-G-A. GRCh37 (hg19) VCF-style: chr11-551161-G-A.
Other names: c.655G>A (NM_198075.3); short protein forms V219M.
Identifiers: ClinVar variation 1569956 (VCV001569956.35), dbSNP rs138291757, ClinGen allele CA5779791.